The following is an entry in ClinVar:

ClinVar aggregate classification (germline): Uncertain significance (1 of 4 stars; one submission).

Conditions:
Ataxia-telangiectasia syndrome (AT). Also called: Ataxia-telangiectasia, complementation group D; Ataxia telangiectasia (A-T); Cerebello-oculocutaneous telangiectasia; Immunodeficiency with ataxia telangiectasia; ATAXIA-TELANGIECTASIA, COMPLEMENTATION GROUP A; ATAXIA-TELANGIECTASIA, FRESNO VARIANT. Identifiers: Orphanet 100, MedGen C0004135, MONDO:0008840, OMIM 208900.

Submission:

Labcorp Genetics (formerly Invitae), Labcorp
Classification: Uncertain significance for Ataxia-telangiectasia syndrome. Last evaluated: 2023-02-10. Review status: criteria provided, single submitter. Criteria: Invitae Variant Classification Sherloc (09022015). Collection method: clinical testing. Allele origin: germline.
Comment: In summary, the available evidence is currently insufficient to determine the role of this variant in disease. Therefore, it has been classified as a Variant of Uncertain Significance. Studies have shown that this variant is associated with altered splicing resulting in multiple RNA products (Invitae). ClinVar contains an entry for this variant (Variation ID: 1391772). This variant has not been reported in the literature in individuals affected with ATM-related conditions. This variant is not present in population databases (gnomAD no frequency). This sequence change falls in intron 32 of the ATM gene. It does not directly change the encoded amino acid sequence of the ATM protein.

NM_000051.4(ATM):c.4910-10T>G

Gene: ATM (ATM serine/threonine kinase; plus strand). Cytogenetic location: 11q22.3.
Variant type: single nucleotide variant.
Coding change: c.4910-10T>G on transcript NM_000051.4 (MANE Select); 10 bases into the intron before coding-DNA position 4910, T replaced by G.
Molecular consequence: intron variant.
Genome position (GRCh38, 1-based): chr11:108,297,277, T>G. VCF-style: chr11-108297277-T-G. GRCh37 (hg19) VCF-style: chr11-108168004-T-G.
Other names: c.4910-10T>G (NM_001351834.2).
Identifiers: ClinVar variation 1391772 (VCV001391772.6), dbSNP rs2083173059, ClinGen allele CA2573146753.
Genomic context (GRCh38, chr11:108,297,277, plus strand): 5'-TATATGCAATTATAAACAAAAGTGTTGTCTTCATGCTAGTTTAAACTAATTTTTAAAAAA[T>G]TATTTCTAGATAATCCGCAAGATGGGATTATGGTGAAACTAGTTGTCAATTTGTTGCAGT-3'